The following is an entry in ClinVar:

NM_001242896.3(DEPDC5):c.1762C>T (p.Pro588Ser)

Gene: DEPDC5 (DEP domain containing 5, GATOR1 subcomplex subunit; plus strand). Cytogenetic location: 22q12.3.
Variant type: single nucleotide variant.
Coding change: c.1762C>T on transcript NM_001242896.3 (MANE Select); coding-DNA position 1762, C replaced by T.
Protein change: p.Pro588Ser; replaces proline 588 with serine.
Molecular consequence: missense variant. On other transcripts: non-coding transcript variant (5).
Genome position (GRCh38, 1-based): chr22:31,819,117, C>T. VCF-style: chr22-31819117-C-T. GRCh37 (hg19) VCF-style: chr22-32215103-C-T.
Other names: c.1762C>T, p.Pro588Ser (NM_001136029.4, NM_001242897.2, NM_001363852.2 and 6 more transcripts); c.1678C>T, p.Pro560Ser (NM_001369901.1, NM_001369902.1); short protein forms P560S, P588S.
Identifiers: ClinVar variation 3365420 (VCV003365420.1).

ClinVar aggregate classification (germline): Uncertain significance (1 of 4 stars; one submission).

Submission:

GeneDx
Classification: Uncertain significance. Last evaluated: 2023-12-14. Review status: criteria provided, single submitter. Criteria: GeneDx Variant Classification Process June 2021. Collection method: clinical testing. Allele origin: germline. Affected: yes.
Comment: Not observed at significant frequency in large population cohorts (gnomAD); In silico analysis supports that this missense variant has a deleterious effect on protein structure/function; Has not been previously published as pathogenic or benign to our knowledge